The following is an entry in ClinVar:

NM_001253697.2(ERBIN):c.3104A>G (p.Asn1035Ser)

Gene: ERBIN (erbb2 interacting protein; plus strand). Cytogenetic location: 5q12.3.
Variant type: single nucleotide variant.
Coding change: c.3104A>G on transcript NM_001253697.2 (MANE Select); coding-DNA position 3104, A replaced by G.
Protein change: p.Asn1035Ser; replaces asparagine 1035 with serine.
Molecular consequence: missense variant.
Genome position (GRCh38, 1-based): chr5:66,054,422, A>G. VCF-style: chr5-66054422-A-G. GRCh37 (hg19) VCF-style: chr5-65350250-A-G.
Other names: c.3104A>G, p.Asn1035Ser (NM_001006600.3, NM_001253698.2, NM_001253699.2 and 1 more transcripts); c.3092A>G, p.Asn1031Ser (NM_001253701.2); c.3104A>G (NM_001006600.2); short protein forms N1031S, N1035S.
Identifiers: ClinVar variation 1524776 (VCV001524776.6), dbSNP rs137933401, ClinGen allele CA3286587.

ClinVar aggregate classification (germline): Uncertain significance. Review status: criteria provided, multiple submitters, no conflicts (2 of 4 stars). 2 submissions from 2 submitters: Uncertain significance (2). Last evaluated 2025-12-16.

Conditions:
ERBIN-related disorder. Also called: ERBIN-related condition.

Allele frequency attached by ClinVar (database versions not stated): gnomAD 0.00022 and 0.00026; TOPMed 0.00025; ESP Exome Variant Server 0.00031; gnomAD exomes 0.00034 and 0.00035; 1000 Genomes Project 0.00040; ExAC 0.00040; 1000 Genomes Project 30x 0.00047.
gnomAD v4.1: 547 of 1,614,146 alleles (0.034%); highest among the groups gnomAD compares: South Asian, 0.11%; no homozygotes.

Submissions (2):

Labcorp Genetics (formerly Invitae), Labcorp
Classification: Uncertain significance. Last evaluated: 2025-12-16. Review status: criteria provided, single submitter. Criteria: Invitae Variant Classification Sherloc (09022015). Collection method: clinical testing. Allele origin: germline.
Comment: This sequence change replaces asparagine, which is neutral and polar, with serine, which is neutral and polar, at codon 1035 of the ERBIN protein (p.Asn1035Ser). This variant is present in population databases (rs137933401, gnomAD 0.1%), and has an allele count higher than expected for a pathogenic variant. This variant has not been reported in the literature in individuals affected with ERBIN-related conditions. ClinVar contains an entry for this variant (Variation ID: 1524776). An algorithm developed to predict the effect of missense changes on protein structure and function (PolyPhen-2) suggests that this variant is likely to be disruptive. In summary, the available evidence is currently insufficient to determine the role of this variant in disease. Therefore, it has been classified as a Variant of Uncertain Significance.

PreventionGenetics, part of Exact Sciences
Classification: Uncertain significance for ERBIN-related condition. Last evaluated: 2023-03-04. Review status: criteria provided, single submitter. Criteria: ACMG Guidelines, 2015. Collection method: clinical testing. Allele origin: germline.
Comment: The ERBIN c.3104A>G variant is predicted to result in the amino acid substitution p.Asn1035Ser. To our knowledge, this variant has not been reported in the literature. This variant is reported in 0.14% of alleles in individuals of South Asian descent in gnomAD. Although we suspect that this variant may be benign, at this time, the clinical significance of this variant is uncertain due to the absence of conclusive functional and genetic evidence.